The following is an entry in ClinVar:

NM_001163809.2(WDR81):c.1950C>G (p.Asp650Glu)

Gene: WDR81 (WD repeat domain 81; plus strand). Cytogenetic location: 17p13.3.
Variant type: single nucleotide variant.
Coding change: c.1950C>G on transcript NM_001163809.2 (MANE Select); coding-DNA position 1950, C replaced by G.
Protein change: p.Asp650Glu; replaces aspartic acid 650 with glutamic acid.
Molecular consequence: missense variant. On other transcripts: intron variant (3).
Genome position (GRCh38, 1-based): chr17:1,726,909, C>G. VCF-style: chr17-1726909-C-G. GRCh37 (hg19) VCF-style: chr17-1630203-C-G.
Other names: c.-123-1081C>G (NM_152348.4); c.59-3471C>G (NM_001163673.2); c.-15+2123C>G (NM_001163811.2); short protein forms D650E.
Identifiers: ClinVar variation 1033757 (VCV001033757.1), dbSNP rs1915315281, ClinGen allele CA397590210.

ClinVar aggregate classification (germline): Uncertain significance (1 of 4 stars; one submission).

Conditions:
Cerebellar ataxia, impaired intellectual development, and dysequilibrium syndrome 2. Also called: Cerebellar ataxia, intellectual disability, and dysequilibrium syndrome 2; CEREBELLAR ATAXIA, MENTAL RETARDATION, AND DYSEQUILIBRIUM SYNDROME 2; CEREBELLAR ATAXIA AND MENTAL RETARDATION WITH OR WITHOUT QUADRUPEDAL LOCOMOTION 2. Identifiers: Orphanet 1766, MedGen C2750234, MONDO:0012430, OMIM 610185.

Allele frequency attached by ClinVar (database versions not stated): TOPMed below 0.00001.
gnomAD v4.1: 13 of 1,550,440 alleles (0.00084%); highest among the groups gnomAD compares: Non-Finnish European, 0.00087%; no homozygotes.

Submission:

Baylor Genetics
Classification: Uncertain significance for Cerebellar ataxia, impaired intellectual development, and dysequilibrium syndrome 2. Last evaluated: 2018-08-30. Review status: criteria provided, single submitter. Criteria: ACMG Guidelines, 2015. Collection method: clinical testing. Allele origin: maternal. Affected: yes.
Comment: This variant was determined to be of uncertain significance according to ACMG Guidelines, 2015 [PMID:25741868].